The following is an entry in ClinVar:

ClinVar aggregate classification (germline): Uncertain significance. Review status: criteria provided, multiple submitters, no conflicts (2 of 4 stars). 2 submissions from 2 submitters: Uncertain significance (2). Last evaluated 2025-05-19.

Conditions:
Inborn genetic diseases. Identifiers: MedGen C0950123, MeSH D030342.

Allele frequency attached by ClinVar (database versions not stated): gnomAD 0.00001; TOPMed 0.00001.

Submissions (2):

Ambry Genetics
Classification: Uncertain significance for Inborn genetic diseases. Last evaluated: 2025-05-19. Review status: criteria provided, single submitter. Criteria: Ambry Variant Classification Scheme 2023. Collection method: clinical testing. Allele origin: germline.

GeneDx
Classification: Uncertain significance. Last evaluated: 2021-06-29. Review status: criteria provided, single submitter. Criteria: GeneDx Variant Classification Process June 2021. Collection method: clinical testing. Allele origin: germline. Affected: yes.
Comment: Not observed at significant frequency in large population cohorts (Lek et al., 2016); In silico analysis supports that this missense variant does not alter protein structure/function; Has not been previously published as pathogenic or benign to our knowledge; This variant is associated with the following publications: (PMID: 27535533)

NM_006005.3(WFS1):c.1002C>G (p.Ser334Arg)

Gene: WFS1 (wolframin ER transmembrane glycoprotein; plus strand). Cytogenetic location: 4p16.1.
Variant type: single nucleotide variant.
Coding change: c.1002C>G on transcript NM_006005.3 (MANE Select); coding-DNA position 1002, C replaced by G.
Protein change: p.Ser334Arg; replaces serine 334 with arginine.
Molecular consequence: missense variant.
Genome position (GRCh38, 1-based): chr4:6,300,797, C>G. VCF-style: chr4-6300797-C-G. GRCh37 (hg19) VCF-style: chr4-6302524-C-G.
Other names: c.1002C>G, p.Ser334Arg (NM_001145853.1); short protein forms S334R.
Identifiers: ClinVar variation 1331236 (VCV001331236.3), dbSNP rs1730856439, ClinGen allele CA356174048.